The following is an entry in ClinVar:

NM_003611.3(OFD1):c.935+1G>C

Gene: OFD1 (OFD1 centriole and centriolar satellite protein; plus strand). Cytogenetic location: Xp22.2.
Variant type: single nucleotide variant.
Coding change: c.935+1G>C on transcript NM_003611.3 (MANE Select); the canonical splice donor site of the intron after coding-DNA position 935, G replaced by C.
Molecular consequence: splice donor variant.
Genome position (GRCh38, 1-based): chrX:13,749,534, G>C. VCF-style: chrX-13749534-G-C. GRCh37 (hg19) VCF-style: chrX-13767653-G-C.
Other names: c.515+1G>C (NM_001330210.2); c.935+1G>C (NM_001330209.2).
Identifiers: ClinVar variation 2948548 (VCV002948548.3), dbSNP rs2518857883, ClinGen allele CA412339144.
Genomic context (GRCh38, chrX:13,749,534, plus strand): 5'-TATGGATTTGCTAAGAGGAAGAGAAGCAGAGCTGAAGCAAAGAGTTGAAGCTTTTGAATT[G>C]TAAGTAATGCATGTTCATTTTGGATATTCAGAATGATGAGATTAAAAAGAATTACTAAAT-3'

ClinVar aggregate classification (germline): Pathogenic (1 of 4 stars; one submission).

Conditions:
Joubert syndrome. Also called: CEREBELLOPARENCHYMAL DISORDER IV; JOUBERT-BOLTSHAUSER SYNDROME; Familial aplasia of the vermis. Identifiers: Orphanet 475, MedGen C5979921, MONDO:0018772.
Orofaciodigital syndrome I (OFD1). Also called: OFDS I; Papillon-Leage and Psaume Syndrome; Oral-Facial-Digital Syndrome Type I. Identifiers: Orphanet 2750, MedGen C1510460, MONDO:0010702, OMIM 311200.

Submission:

Labcorp Genetics (formerly Invitae), Labcorp
Classification: Pathogenic for Orofaciodigital syndrome I; Joubert syndrome. Last evaluated: 2024-09-06. Review status: criteria provided, single submitter. Criteria: Invitae Variant Classification Sherloc (09022015). Collection method: clinical testing. Allele origin: germline.
Comment: This sequence change affects a donor splice site in intron 9 of the OFD1 gene. It is expected to disrupt RNA splicing. Variants that disrupt the donor or acceptor splice site typically lead to a loss of protein function (PMID: 16199547), and loss-of-function variants in OFD1 are known to be pathogenic (PMID: 16783569, 18546297, 27081566). This variant is not present in population databases (gnomAD no frequency). Disruption of this splice site has been observed in individual(s) with clinical features of X-linked dominant oral-facial-digital syndrome (internal data). In at least one individual the variant was observed to be de novo. Algorithms developed to predict the effect of sequence changes on RNA splicing suggest that this variant may disrupt the consensus splice site. For these reasons, this variant has been classified as Pathogenic.

Literature cited by the submitters: PubMed 16199547; PubMed 16783569; PubMed 18546297; PubMed 27081566.